The following is an entry in ClinVar:

NM_032447.5(FBN3):c.3416C>G (p.Ser1139Cys)

Gene: FBN3 (fibrillin 3; minus strand). Cytogenetic location: 19p13.2.
Variant type: single nucleotide variant.
Coding change: c.3416C>G on transcript NM_032447.5 (MANE Select); coding-DNA position 3416, C replaced by G.
Protein change: p.Ser1139Cys; replaces serine 1139 with cysteine.
Molecular consequence: missense variant.
Genome position (GRCh38, 1-based): chr19:8,117,511, G>C on the plus strand (C>G on the coding strand, the complement: FBN3 is on the minus strand). VCF-style: chr19-8117511-G-C. GRCh37 (hg19) VCF-style: chr19-8182395-G-C.
Other names: c.3416C>G (NM_032447.3); c.3416C>G, p.Ser1139Cys (NM_001321431.2); short protein forms S1139C.
Identifiers: ClinVar variation 2150444 (VCV002150444.5), dbSNP rs1400409319, ClinGen allele CA403686326.

ClinVar aggregate classification (germline): Uncertain significance. Review status: criteria provided, multiple submitters, no conflicts (2 of 4 stars). 2 submissions from 2 submitters: Uncertain significance (2). Last evaluated 2025-10-15.

gnomAD v4.1: 21 of 1,559,562 alleles (0.0013%); highest among the groups gnomAD compares: Admixed American, 0.015%; no homozygotes.

Submissions (2):

Ambry Genetics
Classification: Uncertain significance. Last evaluated: 2025-10-15. Review status: criteria provided, single submitter. Criteria: Ambry Variant Classification Scheme 2023. Collection method: clinical testing. Allele origin: germline.

Labcorp Genetics (formerly Invitae), Labcorp
Classification: Uncertain significance. Last evaluated: 2022-08-23. Review status: criteria provided, single submitter. Criteria: Invitae Variant Classification Sherloc (09022015). Collection method: clinical testing. Allele origin: germline.
Comment: In summary, the available evidence is currently insufficient to determine the role of this variant in disease. Therefore, it has been classified as a Variant of Uncertain Significance. This sequence change replaces serine, which is neutral and polar, with cysteine, which is neutral and slightly polar, at codon 1139 of the FBN3 protein (p.Ser1139Cys). This variant is present in population databases (no rsID available, gnomAD 0.03%). This variant has not been reported in the literature in individuals affected with FBN3-related conditions. Algorithms developed to predict the effect of missense changes on protein structure and function are either unavailable or do not agree on the potential impact of this missense change (SIFT: "Not Available"; PolyPhen-2: "Probably Damaging"; Align-GVGD: "Not Available").